The following is an entry in ClinVar:

ClinVar aggregate classification (germline): Pathogenic. Review status: reviewed by expert panel (3 of 4 stars). 5 submissions from 5 submitters: Pathogenic (1). 4 of the submissions do not count toward it. Last evaluated 2016-10-18.

Conditions:
Hereditary cancer-predisposing syndrome. Also called: Hereditary Cancer Syndrome; Hereditary neoplastic syndrome; Neoplastic Syndromes, Hereditary; Tumor predisposition. Identifiers: Orphanet 140162, MedGen C0027672, MeSH D009386, MONDO:0015356.
Hereditary breast ovarian cancer syndrome. Also called: BRCA1- and BRCA2-Associated Hereditary Breast and Ovarian Cancer; Hereditary breast and ovarian cancer syndrome; Hereditary breast and ovarian cancer syndrome (HBOC); Breast and ovarian cancer; Hereditary breast and/or ovarian cancer syndrome; Hereditary breast and ovarian cancer. Identifiers: Orphanet 145, MedGen C0677776, MeSH D061325, MONDO:0003582. Disease mechanism: loss of function.
Breast-ovarian cancer, familial, susceptibility to, 1 (BROVCA1). Also called: BRCA1 Hereditary Breast and Ovarian Cancer; OVARIAN CANCER, SUSCEPTIBILITY TO. Identifiers: Orphanet 145, MedGen C2676676, MONDO:0011450, OMIM 604370. Disease mechanism: loss of function.

Submissions (5):

Evidence-based Network for the Interpretation of Germline Mutant Alleles (ENIGMA)
Classification: Pathogenic for Breast-ovarian cancer, familial, susceptibility to, 1. Last evaluated: 2016-10-18. Review status: reviewed by expert panel. Criteria: ENIGMA BRCA1/2 Classification Criteria (2015). Collection method: curation. Allele origin: germline.
Comment: Variant allele predicted to encode a truncated non-functional protein.

Labcorp Genetics (formerly Invitae), Labcorp
Classification: Pathogenic for Hereditary breast ovarian cancer syndrome. Last evaluated: 2025-03-11. Review status: criteria provided, single submitter. Criteria: Invitae Variant Classification Sherloc (09022015). Collection method: clinical testing. Allele origin: germline. Not counted in ClinVar's aggregate classification.
Comment: This sequence change creates a premature translational stop signal (p.Asn144Ilefs*19) in the BRCA1 gene. It is expected to result in an absent or disrupted protein product. Loss-of-function variants in BRCA1 are known to be pathogenic (PMID: 20104584). This variant is not present in population databases (gnomAD no frequency). This premature translational stop signal has been observed in individual(s) with breast and/or ovarian cancer (PMID: 16998791, 30555256). This variant is also known as c.550delA. ClinVar contains an entry for this variant (Variation ID: 55167). For these reasons, this variant has been classified as Pathogenic.

Color Diagnostics, LLC DBA Color Health
Classification: Pathogenic for Hereditary cancer-predisposing syndrome. Last evaluated: 2021-07-22. Review status: criteria provided, single submitter. Criteria: ACMG Guidelines, 2015. Collection method: clinical testing. Allele origin: germline. Not counted in ClinVar's aggregate classification.
Comment: This variant deletes 1 nucleotide in exon 6 of the BRCA1 gene, creating a frameshift and premature translation stop signal. This variant is expected to result in an absent or non-functional protein product. To our knowledge, functional studies have not been reported for this variant. This variant has been reported in at least two individuals affected with breast or ovarian cancer (PMID: 16998791, 27848044). This variant has not been identified in the general population by the Genome Aggregation Database (gnomAD). Loss of BRCA1 function is a known mechanism of disease. Based on the available evidence, this variant is classified as Pathogenic.

Consortium of Investigators of Modifiers of BRCA1/2 (CIMBA), c/o University of Cambridge
Classification: Pathogenic for Breast-ovarian cancer, familial, susceptibility to, 1. Last evaluated: 2015-10-02. Review status: criteria provided, single submitter. Criteria: CIMBA Mutation Classification guidelines May 2016. Collection method: clinical testing. Allele origin: germline. Not counted in ClinVar's aggregate classification.

Department of Pathology and Laboratory Medicine, Sinai Health System
Classification: Pathogenic. Review status: no assertion criteria provided. Collection method: clinical testing. Allele origin: unknown. Affected: yes. Observed: 1 variant allele. Study: The Canadian Open Genetics Repository (COGR). Not counted in ClinVar's aggregate classification.
Comment: The BRCA1 p.Asn144IlefsX19 variant was identified as a novel pathogenic variant in 1 of 352 proband chromosomes (frequency: 0.003) from Pakistani individuals or families with Breast and Ovarian cancer, and was not identified in 100 control chromosomes from healthy individuals (Rashid 2006). The variant is listed in the dbSNP database (ID#: rs397509162) with untested allele. The p.Asn144IlefsX19 variant was identified in the Clinvar database by submitter Invitae, but classification was not provided. In the ARUP Laboratories BRCA1 Mutation database, the variant was identified 1X and classified as definitely pathogenic. The variant was not identified in the NHLBI Exome Sequencing Project (Exome Variant Server), Exome Aggregation Consortium (ExAC), LOVD, COSMIC, Clinvitae, MutDB, GeneInsight COGR, BIC or BRCA Share UMD. The p.Asn144IlefsX19 deletion variant is predicted to cause a frameshift, which alters the protein's amino acid sequence beginning at codon 144 and leads to a premature stop codon 19 codons downstream. This alteration is then predicted to result in a truncated or absent protein and loss of function. Loss of function variants of the BRCA1 gene are an established mechanism of disease in hereditary breast and ovarian cancer and is the type of variant expected to cause the disorder. In summary, based on the above information, this variant meets our laboratoryâ€šÃ„Ã´s criteria to be classified as pathogenic.

Literature cited by the submitters: PubMed 20104584 (cited by Labcorp Genetics (formerly Invitae), Labcorp); PubMed 16998791 (cited by Labcorp Genetics (formerly Invitae), Labcorp and Color Diagnostics, LLC DBA Color Health); PubMed 30555256 (cited by Labcorp Genetics (formerly Invitae), Labcorp); PubMed 27848044 (cited by Color Diagnostics, LLC DBA Color Health).

NM_007294.4(BRCA1):c.431del (p.Asn144fs)

Gene: BRCA1 (BRCA1 DNA repair associated; minus strand). Cytogenetic location: 17q21.31.
Variant type: Deletion.
Coding change: c.431del on transcript NM_007294.4 (MANE Select); coding-DNA position 431, one base deleted (A; older notation c.431delA).
Protein change: p.Asn144fs; shifts the reading frame from asparagine 144.
Molecular consequence: frameshift variant. On other transcripts: non-coding transcript variant (1).
Genome position (GRCh38, 1-based): chr17:43,104,132, T deleted on the plus strand (A on the coding strand, the reverse complement: BRCA1 is on the minus strand); the first of 4 consecutive T bases (chr17:43,104,132-43,104,135); deleting any one gives the same sequence. VCF-style (leftmost placement, unchanged base first): chr17-43104131-AT-A. GRCh37 (hg19) VCF-style: chr17-41256148-AT-A.
Other names: 550delA; c.431delA (NM_007294.3); c.218delA, p.Asn74Ilefs (NM_001407571.1, NM_001407853.1, NM_001407879.1 and 58 more transcripts); c.428delA, p.Asn144Ilefs (NM_001407581.1, NM_001407582.1, NM_001407583.1 and 163 more transcripts); c.419delA, p.Asn141Ilefs (NM_001407646.1, NM_001407647.1, NM_001408408.1); c.350delA, p.Asn118Ilefs (NM_001407653.1, NM_001407654.1, NM_001407655.1 and 21 more transcripts); c.287delA, p.Asn97Ilefs (NM_001407730.1, NM_001407731.1, NM_001407732.1 and 98 more transcripts); c.47delA, p.Asn17Ilefs (NM_001407959.1, NM_001407960.1, NM_001407962.1 and 4 more transcripts); and 3 more; short protein forms N97fs, N144fs.
Identifiers: ClinVar variation 55167 (VCV000055167.16), dbSNP rs397509162, ClinGen allele CA002766.